The following is an entry in ClinVar:

NM_014714.4(IFT140):c.4198G>A (p.Glu1400Lys)

Gene: IFT140 (intraflagellar transport 140; minus strand). Cytogenetic location: 16p13.3.
Variant type: single nucleotide variant.
Coding change: c.4198G>A on transcript NM_014714.4 (MANE Select); coding-DNA position 4198, G replaced by A.
Protein change: p.Glu1400Lys; replaces glutamic acid 1400 with lysine.
Molecular consequence: missense variant.
Genome position (GRCh38, 1-based): chr16:1,511,135, C>T on the plus strand (G>A on the coding strand, the complement: IFT140 is on the minus strand). VCF-style: chr16-1511135-C-T. GRCh37 (hg19) VCF-style: chr16-1561136-C-T.
Other names: short protein forms E1400K.
Identifiers: ClinVar variation 4767435 (VCV004767435.1).
Genomic context (GRCh38, chr16:1,511,135, plus strand): 5'-CGGCCTGCGGGCTCACGTAGTAGGACATGTTGGCCAAGGGAAGCCGCCGCCGCATCTCCT[C>T]CAGGAATCTGTAGGCCTGGGGCAGAGGAGCAGACATTACTCAGCTTTCCTGAACAACCAG-3'
Protein context (NP_055529.2, residues 1390-1410): EEYQTAYRFL[Glu1400Lys]EMRRRLPLAN

ClinVar aggregate classification (germline): Uncertain significance (1 of 4 stars; one submission).

Conditions:
Saldino-Mainzer syndrome (SRTD9). Also called: CONORENAL SYNDROME; Renal dysplasia, retinal pigmentary dystrophy, cerebellar ataxia and skeletal dysplasia; SHORT-RIB THORACIC DYSPLASIA 9 WITHOUT POLYDACTYLY; short-rib thoracic dysplasia 9 with or without polydactyly. Identifiers: Orphanet 140969, MedGen C1849437, MONDO:0009964, OMIM 266920.

Submission:

Labcorp Genetics (formerly Invitae), Labcorp
Classification: Uncertain significance for Saldino-Mainzer syndrome. Last evaluated: 2025-04-17. Review status: criteria provided, single submitter. Criteria: Invitae Variant Classification Sherloc (09022015). Collection method: clinical testing. Allele origin: germline.
Comment: This sequence change replaces glutamic acid, which is acidic and polar, with lysine, which is basic and polar, at codon 1400 of the IFT140 protein (p.Glu1400Lys). This variant is not present in population databases (gnomAD no frequency). This variant has not been reported in the literature in individuals affected with IFT140-related conditions. Invitae Evidence Modeling of protein sequence and biophysical properties (such as structural, functional, and spatial information, amino acid conservation, physicochemical variation, residue mobility, and thermodynamic stability) has been performed for this missense variant. However, the output from this modeling did not meet the statistical confidence thresholds required to predict the impact of this variant on IFT140 protein function. In summary, the available evidence is currently insufficient to determine the role of this variant in disease. Therefore, it has been classified as a Variant of Uncertain Significance.